The following is an entry in ClinVar:

NM_004855.5(PIGB):c.1435A>C (p.Asn479His)

Gene: PIGB (phosphatidylinositol glycan anchor biosynthesis class B; plus strand). Cytogenetic location: 15q21.3.
Variant type: single nucleotide variant.
Coding change: c.1435A>C on transcript NM_004855.5 (MANE Select); coding-DNA position 1435, A replaced by C.
Protein change: p.Asn479His; replaces asparagine 479 with histidine.
Molecular consequence: missense variant.
Genome position (GRCh38, 1-based): chr15:55,354,895, A>C. VCF-style: chr15-55354895-A-C. GRCh37 (hg19) VCF-style: chr15-55647093-A-C.
Other names: short protein forms N479H.
Identifiers: ClinVar variation 2047111 (VCV002047111.4), dbSNP rs2543161401, ClinGen allele CA392544089.
Genomic context (GRCh38, chr15:55,354,895, plus strand): 5'-TGCCCGCCAGACCTGACTGGAAAAAGTCATTATCTTGATGAAGCAGATGTATTTTACCTA[A>C]ATCCCTTAAACTGGTTACATAGAGAGTTTCATGATGATGCATCATTGCCTACTCACTTGA-3'
Protein context (NP_004846.4, residues 469-489): YLDEADVFYL[Asn479His]PLNWLHREFH

ClinVar aggregate classification (germline): Uncertain significance (1 of 4 stars; one submission).

Submission:

Labcorp Genetics (formerly Invitae), Labcorp
Classification: Uncertain significance. Last evaluated: 2022-09-27. Review status: criteria provided, single submitter. Criteria: Invitae Variant Classification Sherloc (09022015). Collection method: clinical testing. Allele origin: germline.
Comment: This variant has not been reported in the literature in individuals affected with PIGB-related conditions. This variant is not present in population databases (gnomAD no frequency). This sequence change replaces asparagine, which is neutral and polar, with histidine, which is basic and polar, at codon 479 of the PIGB protein (p.Asn479His). Advanced modeling of protein sequence and biophysical properties (such as structural, functional, and spatial information, amino acid conservation, physicochemical variation, residue mobility, and thermodynamic stability) performed at Invitae indicates that this missense variant is not expected to disrupt PIGB protein function. In summary, the available evidence is currently insufficient to determine the role of this variant in disease. Therefore, it has been classified as a Variant of Uncertain Significance.